The following is an entry in ClinVar:

ClinVar aggregate classification (germline): Uncertain significance. Review status: criteria provided, multiple submitters, no conflicts (2 of 4 stars). 3 submissions from 3 submitters: Uncertain significance (3). Last evaluated 2025-09-10.

Conditions:
Inborn genetic diseases. Identifiers: MedGen C0950123, MeSH D030342.

Allele frequency attached by ClinVar (database versions not stated): ExAC 0.00002; ESP Exome Variant Server 0.00008; TOPMed 0.00008; gnomAD 0.00012; 1000 Genomes Project 30x 0.00031; 1000 Genomes Project 0.00040.
gnomAD v4.1: 34 of 1,614,038 alleles (0.0021%); highest among the groups gnomAD compares: African/African-American, 0.041%; no homozygotes.

Submissions (3):

GeneDx
Classification: Uncertain significance. Last evaluated: 2025-09-10. Review status: criteria provided, single submitter. Criteria: GeneDx Variant Classification Process June 2021. Collection method: clinical testing. Allele origin: germline. Affected: yes.
Comment: In silico analysis supports that this missense variant has a deleterious effect on protein structure/function; Has not been previously published as pathogenic or benign to our knowledge

Ambry Genetics
Classification: Uncertain significance for Inborn genetic diseases. Last evaluated: 2025-08-05. Review status: criteria provided, single submitter. Criteria: Ambry Variant Classification Scheme 2023. Collection method: clinical testing. Allele origin: germline.

Labcorp Genetics (formerly Invitae), Labcorp
Classification: Uncertain significance. Last evaluated: 2024-11-19. Review status: criteria provided, single submitter. Criteria: Invitae Variant Classification Sherloc (09022015). Collection method: clinical testing. Allele origin: germline.
Comment: This sequence change replaces lysine, which is basic and polar, with asparagine, which is neutral and polar, at codon 1419 of the ANK3 protein (p.Lys1419Asn). This variant is present in population databases (rs200259898, gnomAD 0.04%). This variant has not been reported in the literature in individuals affected with ANK3-related conditions. ClinVar contains an entry for this variant (Variation ID: 2146926). Invitae Evidence Modeling of protein sequence and biophysical properties (such as structural, functional, and spatial information, amino acid conservation, physicochemical variation, residue mobility, and thermodynamic stability) indicates that this missense variant is expected to disrupt ANK3 protein function with a positive predictive value of 80%. In summary, the available evidence is currently insufficient to determine the role of this variant in disease. Therefore, it has been classified as a Variant of Uncertain Significance.

NM_020987.5(ANK3):c.4257G>T (p.Lys1419Asn)

Gene: ANK3 (ankyrin 3; minus strand). Cytogenetic location: 10q21.2.
Variant type: single nucleotide variant.
Coding change: c.4257G>T on transcript NM_020987.5 (MANE Select); coding-DNA position 4257, G replaced by T.
Protein change: p.Lys1419Asn; replaces lysine 1419 with asparagine.
Molecular consequence: missense variant.
Genome position (GRCh38, 1-based): chr10:60,082,681, C>A on the plus strand (G>T on the coding strand, the complement: ANK3 is on the minus strand). VCF-style: chr10-60082681-C-A. GRCh37 (hg19) VCF-style: chr10-61842439-C-A.
Other names: c.1659G>T, p.Lys553Asn (NM_001149.4); c.4239G>T, p.Lys1413Asn (NM_001204403.2); c.4260G>T, p.Lys1420Asn (NM_001204404.2); c.4257G>T, p.Lys1419Asn (NM_001320874.2); c.4257G>T (NM_020987.3); short protein forms K1419N, K553N, K1420N, K1413N.
Identifiers: ClinVar variation 2146926 (VCV002146926.7), dbSNP rs200259898, ClinGen allele CA5512273.
Genomic context (GRCh38, chr10:60,082,681, plus strand): 5'-ATGTGCTGGCAGAGTGATATTTAAGTTGCAAACCGCTGTTTGAGGCAGTCCTTTTGTTGT[C>A]TTTGGTTCTTTCAGAAAAGACAGACGACCACAGGGCTCTTGGCTGGTGTCTCTAATCTAG-3'
Protein context (NP_066267.2, residues 1409-1429): CGRLSFLKEP[Lys1419Asn]TTKGLPQTAV